The following is an entry in ClinVar:

NM_001164508.2(NEB):c.22792C>T (p.Gln7598Ter)

Genes: NEB (nebulin; minus strand), RIF1 (replication timing regulatory factor 1; plus strand). Cytogenetic location: 2q23.3.
Variant type: single nucleotide variant.
Coding change: c.22792C>T on transcript NM_001164508.2 (MANE Select); coding-DNA position 22792, C replaced by T.
Protein change: p.Gln7598Ter; replaces glutamine 7598 with a stop codon.
Molecular consequence: nonsense.
Genome position (GRCh38, 1-based): chr2:151,518,326, G>A on the plus strand (C>T on the coding strand, the complement: NEB is on the minus strand). VCF-style: chr2-151518326-G-A. GRCh37 (hg19) VCF-style: chr2-152374840-G-A.
Other names: c.22792C>T, p.Gln7598Ter (NM_001164507.2); c.22897C>T, p.Gln7633Ter (NM_001271208.2); c.17689C>T, p.Gln5897Ter (NM_004543.5); short protein forms Q7598*, Q5897*, Q7633*.
Identifiers: ClinVar variation 646620 (VCV000646620.6), dbSNP rs752267876, ClinGen allele CA348759105.
Genomic context (GRCh38, chr2:151,518,326, plus strand): 5'-TGTACTGTGGATGAATGTGCGCCAGAGGAAAAATCGGTCTTGATCCACTTACTATACTCT[G>A]TAATTCTGTGGCCTCTTTTAGGTGAAGCTGCTCCAGATTATCGGGTATGGTGTGGTAGTG-3'

ClinVar aggregate classification (germline): Pathogenic (1 of 4 stars; one submission).

Conditions:
Nemaline myopathy 2 (NEM2). Also called: Nemaline myopathy 2, autosomal recessive. Identifiers: MedGen C1850569, MONDO:0009725, OMIM 256030.

Submission:

Labcorp Genetics (formerly Invitae), Labcorp
Classification: Pathogenic for Nemaline myopathy 2. Last evaluated: 2024-10-21. Review status: criteria provided, single submitter. Criteria: Invitae Variant Classification Sherloc (09022015). Collection method: clinical testing. Allele origin: germline.
Comment: This sequence change creates a premature translational stop signal (p.Gln7633*) in the NEB gene. It is expected to result in an absent or disrupted protein product. Loss-of-function variants in NEB are known to be pathogenic (PMID: 25205138). This variant is not present in population databases (gnomAD no frequency). This variant has not been reported in the literature in individuals affected with NEB-related conditions. ClinVar contains an entry for this variant (Variation ID: 646620). Algorithms developed to predict the effect of sequence changes on RNA splicing suggest that this variant may disrupt the consensus splice site. For these reasons, this variant has been classified as Pathogenic.

Literature cited by the submitters: PubMed 25205138.